The following is an entry in ClinVar:

ClinVar aggregate classification (germline): Uncertain significance (1 of 4 stars; one submission).

Submission:

GeneDx
Classification: Uncertain significance. Last evaluated: 2023-12-10. Review status: criteria provided, single submitter. Criteria: GeneDx Variant Classification Process June 2021. Collection method: clinical testing. Allele origin: germline. Affected: yes.
Comment: Not observed at significant frequency in large population cohorts (gnomAD); In silico analysis supports a deleterious effect on splicing; Has not been previously published as pathogenic or benign to our knowledge

NM_004859.4(CLTC):c.4904-6C>G

Gene: CLTC (clathrin heavy chain; plus strand). Cytogenetic location: 17q23.1.
Variant type: single nucleotide variant.
Coding change: c.4904-6C>G on transcript NM_004859.4 (MANE Select); 6 bases into the intron before coding-DNA position 4904, C replaced by G.
Molecular consequence: intron variant.
Genome position (GRCh38, 1-based): chr17:59,693,722, C>G. VCF-style: chr17-59693722-C-G. GRCh37 (hg19) VCF-style: chr17-57771083-C-G.
Other names: c.4916-6C>G (NM_001288653.2).
Identifiers: ClinVar variation 3252451 (VCV003252451.1), dbSNP rs2509170676.